The following is an entry in ClinVar:

NM_000384.3(APOB):c.13576C>T (p.Gln4526Ter)

Gene: APOB (apolipoprotein B; minus strand). Cytogenetic location: 2p24.1.
Variant type: single nucleotide variant.
Coding change: c.13576C>T on transcript NM_000384.3 (MANE Select); coding-DNA position 13576, C replaced by T.
Protein change: p.Gln4526Ter; replaces glutamine 4526 with a stop codon.
Molecular consequence: nonsense.
Genome position (GRCh38, 1-based): chr2:21,001,846, G>A on the plus strand (C>T on the coding strand, the complement: APOB is on the minus strand). VCF-style: chr2-21001846-G-A. GRCh37 (hg19) VCF-style: chr2-21224718-G-A.
Other names: short protein forms Q4526*.
Identifiers: ClinVar variation 1770720 (VCV001770720.3), dbSNP rs763341676, ClinGen allele CA345967092.
Genomic context (GRCh38, chr2:21,001,846, plus strand): 5'-TGGTTGATTGCAGCTTTTTCAGTAACTCCGTGATGTATATCAGAAATGTGTGGTAGTTTT[G>A]AATGGACAGGTCAATCAATCTTTTGGATTCAGCAATAAATTTTTCATAGTAATCAGAGAG-3'

ClinVar aggregate classification (germline): Uncertain significance (1 of 4 stars; one submission).

Conditions:
Cardiovascular phenotype. Identifiers: MedGen CN230736.

Allele frequency attached by ClinVar (database versions not stated): TOPMed below 0.00001; gnomAD 0.00002.
gnomAD v4.1: 7 of 1,613,904 alleles (0.00043%); highest among the groups gnomAD compares: African/African-American, 0.0067%; no homozygotes.

Submission:

Ambry Genetics
Classification: Uncertain significance for Cardiovascular phenotype. Last evaluated: 2025-07-01. Review status: criteria provided, single submitter. Criteria: Ambry Variant Classification Scheme 2023. Collection method: clinical testing. Allele origin: germline.
Comment: The p.Q4526* variant (also known as c.13576C>T), located in coding exon 29 of the APOB gene, results from a C to T substitution at nucleotide position 13576. This changes the amino acid from a glutamine to a stop codon within coding exon 29. This alteration occurs at the 3' terminus of theAPOB gene, is not expected to trigger nonsense-mediated mRNAdecay, and only impacts the last 38 amino acids of the protein. The exact functional effect of this alteration is unknown. Based on the available evidence, the clinical significance of this variant remains unclear.